The following is an entry in ClinVar:

ClinVar aggregate classification (germline): Uncertain significance (1 of 4 stars; one submission).

Allele frequency attached by ClinVar (database versions not stated): TOPMed below 0.00001.

Submission:

Labcorp Genetics (formerly Invitae), Labcorp
Classification: Uncertain significance. Last evaluated: 2022-11-01. Review status: criteria provided, single submitter. Criteria: Invitae Variant Classification Sherloc (09022015). Collection method: clinical testing. Allele origin: germline.
Comment: In summary, the available evidence is currently insufficient to determine the role of this variant in disease. Therefore, it has been classified as a Variant of Uncertain Significance. Algorithms developed to predict the effect of missense changes on protein structure and function are either unavailable or do not agree on the potential impact of this missense change (SIFT: "Tolerated"; PolyPhen-2: "Possibly Damaging"; Align-GVGD: "Class C0"). This variant has not been reported in the literature in individuals affected with KANK1-related conditions. This variant is present in population databases (no rsID available, gnomAD 0.0009%). This sequence change replaces tyrosine, which is neutral and polar, with histidine, which is basic and polar, at codon 1083 of the KANK1 protein (p.Tyr1083His).

NM_015158.5(KANK1):c.3247T>C (p.Tyr1083His)

Gene: KANK1 (KN motif and ankyrin repeat domains 1; plus strand). Cytogenetic location: 9p24.3.
Variant type: single nucleotide variant.
Coding change: c.3247T>C on transcript NM_015158.5 (MANE Select); coding-DNA position 3247, T replaced by C.
Protein change: p.Tyr1083His; replaces tyrosine 1083 with histidine.
Molecular consequence: missense variant. On other transcripts: non-coding transcript variant (1).
Genome position (GRCh38, 1-based): chr9:734,749, T>C. VCF-style: chr9-734749-T-C. GRCh37 (hg19) VCF-style: chr9-734749-T-C.
Other names: c.3247T>C, p.Tyr1083His (NM_001256876.3, NM_001256877.3, NM_001354334.2); c.3007T>C, p.Tyr1003His (NM_001354331.2); c.3193T>C, p.Tyr1065His (NM_001354332.2); c.2773T>C, p.Tyr925His (NM_001354333.2, NM_001354335.2, NM_001354337.2 and 2 more transcripts); c.2479T>C, p.Tyr827His (NM_001354336.2); c.2719T>C, p.Tyr907His (NM_001354338.2, NM_001354340.2, NM_001354344.2); c.2533T>C, p.Tyr845His (NM_001354339.2, NM_001354342.2, NM_001354343.2); short protein forms Y907H, Y1065H, Y925H, Y1083H, Y827H, Y845H, Y1003H.
Identifiers: ClinVar variation 1948149 (VCV001948149.5), dbSNP rs1164756727, ClinGen allele CA372758044.